The following is an entry in ClinVar:

NM_004990.4(MARS1):c.2390C>T (p.Thr797Ile)

Gene: MARS1 (methionyl-tRNA synthetase 1; plus strand). Cytogenetic location: 12q13.3.
Variant type: single nucleotide variant.
Coding change: c.2390C>T on transcript NM_004990.4 (MANE Select); coding-DNA position 2390, C replaced by T.
Protein change: p.Thr797Ile; replaces threonine 797 with isoleucine.
Molecular consequence: missense variant.
Genome position (GRCh38, 1-based): chr12:57,515,335, C>T. VCF-style: chr12-57515335-C-T. GRCh37 (hg19) VCF-style: chr12-57909118-C-T.
Other names: short protein forms T797I.
Identifiers: ClinVar variation 977097 (VCV000977097.11), dbSNP rs146851019, ClinGen allele CA6650783.
Genomic context (GRCh38, chr12:57,515,335, plus strand): 5'-CCTGCAGTATCCTGCTGACAAACTTCCTGTGTACCTTACCAGCAGGACACCAGATTGGCA[C>T]AGTAGGTGGAAGAGCCAGCCTCTCTTAAAATTGATACTCTTGCCATGCAGCTTTTGGAGT-3'
Protein context (NP_004981.2, residues 787-807): CTLPAGHQIG[Thr797Ile]VSPLFQKLEN

ClinVar aggregate classification (germline): Conflicting classifications of pathogenicity. Review status: criteria provided, conflicting classifications (1 of 4 stars). 4 submissions from 4 submitters: Uncertain significance (2); Likely benign (2). Last evaluated 2026-01-04.

Conditions:
MARS1-related disorder. Also called: MARS1-related condition.
Severe early-onset pulmonary alveolar proteinosis due to MARS deficiency. Also called: PULMONARY ALVEOLAR PROTEINOSIS, REUNION ISLAND; Interstitial lung and liver disease. Identifiers: Orphanet 440427, MedGen C4225400, MONDO:0014206, OMIM 615486.
Charcot-Marie-Tooth disease axonal type 2U. Also called: CHARCOT-MARIE-TOOTH NEUROPATHY, TYPE 2U; CHARCOT-MARIE-TOOTH DISEASE, AXONAL, AUTOSOMAL DOMINANT, TYPE 2U. Identifiers: Orphanet 397735, MedGen C4084821, MONDO:0014566, OMIM 616280.

Allele frequency attached by ClinVar (database versions not stated): gnomAD exomes 0.00006 and 0.00012; ExAC 0.00010; 1000 Genomes Project 30x 0.00016; 1000 Genomes Project 0.00020; gnomAD 0.00060 and 0.00066; TOPMed 0.00068; ESP Exome Variant Server 0.00069.
gnomAD v4.1: 196 of 1,612,220 alleles (0.012%); highest among the groups gnomAD compares: African/African-American, 0.21%; no homozygotes.

Submissions (4):

Labcorp Genetics (formerly Invitae), Labcorp
Classification: Uncertain significance for Charcot-Marie-Tooth disease axonal type 2U; Severe early-onset pulmonary alveolar proteinosis due to MARS deficiency. Last evaluated: 2026-01-04. Review status: criteria provided, single submitter. Criteria: Invitae Variant Classification Sherloc (09022015). Collection method: clinical testing. Allele origin: germline.
Comment: This sequence change replaces threonine, which is neutral and polar, with isoleucine, which is neutral and non-polar, at codon 797 of the MARS protein (p.Thr797Ile). This variant is present in population databases (rs146851019, gnomAD 0.2%). This variant has not been reported in the literature in individuals affected with MARS-related conditions. ClinVar contains an entry for this variant (Variation ID: 977097). An algorithm developed to predict the effect of missense changes on protein structure and function outputs the following: PolyPhen-2: "Benign". The isoleucine amino acid residue is found in multiple mammalian species, which suggests that this missense change does not adversely affect protein function. In summary, the available evidence is currently insufficient to determine the role of this variant in disease. Therefore, it has been classified as a Variant of Uncertain Significance.

PreventionGenetics, part of Exact Sciences
Classification: Likely benign for MARS1-related condition. Last evaluated: 2024-11-19. Review status: criteria provided, single submitter. Criteria: ACMG Guidelines, 2015. Collection method: clinical testing. Allele origin: germline.
Comment: This variant is classified as likely benign based on ACMG/AMP sequence variant interpretation guidelines (Richards et al. 2015 PMID: 25741868, with internal and published modifications).

Ambry Genetics
Classification: Likely benign. Last evaluated: 2020-07-27. Review status: criteria provided, single submitter. Criteria: Ambry Variant Classification Scheme 2023. Collection method: clinical testing. Allele origin: germline.

Johns Hopkins Genomics, Johns Hopkins University
Classification: Uncertain significance for Severe early-onset pulmonary alveolar proteinosis due to MARS deficiency. Last evaluated: 2020-06-18. Review status: criteria provided, single submitter. Criteria: ACMG Guidelines, 2015. Collection method: clinical testing. Allele origin: germline.
Comment: MARS1 c.2390C>T (rs146851019) is rare (<0.1%) in a large population dataset1 (gnomAD: 44/280448 total alleles; 0.02%; no homozygotes) and has not been reported in ClinVar nor the literature, to our knowledge. Of three bioinformatics tools queried, two predict that the substitution would be tolerated, while one predicts that it would be damaging. The threonine residue at this position is evolutionarily conserved across most mammals. Due to insufficient evidence, we consider the clinical significance of c.2390C>T to be uncertain at this time.